The following is an entry in ClinVar:

NC_000022.10:g.(29121356_29130390)_(29137823_?)del

Gene: CHEK2 (checkpoint kinase 2; minus strand). Cytogenetic location: 22q12.1.
Variant type: Deletion.
Identifiers: ClinVar variation 2577081 (VCV002577081.1).

ClinVar aggregate classification (germline): Pathogenic (1 of 4 stars; one submission).

Conditions:
Hereditary breast ovarian cancer syndrome. Also called: Hereditary breast and/or ovarian cancer syndrome; Hereditary breast and ovarian cancer; Breast and ovarian cancer; Hereditary breast and ovarian cancer syndrome; Hereditary breast and ovarian cancer syndrome (HBOC); BRCA1- and BRCA2-Associated Hereditary Breast and Ovarian Cancer. Identifiers: Orphanet 145, MedGen C0677776, MeSH D061325, MONDO:0003582. Disease mechanism: loss of function.

Submission:

Women's Health and Genetics/Laboratory Corporation of America, LabCorp
Classification: Pathogenic for Hereditary breast ovarian cancer syndrome. Last evaluated: 2023-07-25. Review status: criteria provided, single submitter. Criteria: LabCorp Variant Classification Summary - May 2015. Collection method: clinical testing. Allele origin: germline.
Comment: Variant summary: The variant identified by MLPA or other technology involves the deletion of exons 1-2 in the CHEK2 gene, where exon 2 contains the translation initiation codon. The exact breakpoint at the 5' end of this variant is unknown and therefore this deletion might extend upstream of the assayed region of the gene. A presumed nomenclature of c.(?_-73)_(319+1_320-1)del has been designated for the purposes of this classification. Although exact breakpoints of this deletion are not known, it is expected to result in an absent or shortened protein product, a known mechanism of disease. The variant was absent in 21694 control chromosomes (gnomAD, structural variants dataset). Deletion variants that include the first coding exon (i.e. exon 2) of CHEK2 have been reported in the literature in individuals undergoing hereditary cancer testing (e.g. Sutcliffe_2020, Vargas-Parra_2020), however no phenotype details were specified. To our knowledge, no experimental evidence demonstrating an impact on protein function has been reported. The following publications have been ascertained in the context of this evaluation (PMID: 32805687, 32906215). At least one submitter has cited clinical-significance assessments for similar variants in ClinVar after 2014, and has classified the variant as pathogenic. Based on the evidence outlined above, the variant was classified as pathogenic.

Literature cited by the submitters: PubMed 32906215; PubMed 32805687.